The following is an entry in ClinVar:

NM_001164405.2(BHLHA9):c.251C>G (p.Ala84Gly)

Gene: BHLHA9 (basic helix-loop-helix family member a9; plus strand). Cytogenetic location: 17p13.3.
Variant type: single nucleotide variant.
Coding change: c.251C>G on transcript NM_001164405.2 (MANE Select); coding-DNA position 251, C replaced by G.
Protein change: p.Ala84Gly; replaces alanine 84 with glycine.
Molecular consequence: missense variant.
Genome position (GRCh38, 1-based): chr17:1,270,814, C>G. VCF-style: chr17-1270814-C-G. GRCh37 (hg19) VCF-style: chr17-1174108-C-G.
Other names: short protein forms A84G.
Identifiers: ClinVar variation 1309911 (VCV001309911.2), dbSNP rs964527970, ClinGen allele CA397523689.

ClinVar aggregate classification (germline): Uncertain significance (1 of 4 stars; one submission).

Allele frequency attached by ClinVar (database versions not stated): 1000 Genomes Project 30x 0.00016.
gnomAD v4.1: 9 of 1,475,908 alleles (0.00061%); highest among the groups gnomAD compares: African/African-American, 0.0059%; no homozygotes.

Submission:

GeneDx
Classification: Uncertain significance. Last evaluated: 2019-10-27. Review status: criteria provided, single submitter. Criteria: GeneDx Variant Classification Process June 2021. Collection method: clinical testing. Allele origin: germline. Affected: yes.
Comment: In silico analysis, which includes protein predictors and evolutionary conservation, supports a deleterious effect; In-silico analysis, which includes splice predictors and evolutionary conservation, is inconclusive as to whether the variant alters gene splicing. In the absence of RNA/functional studies, the actual effect of this sequence change is unknown.; Has not been previously published as pathogenic or benign to our knowledge